The following is an entry in ClinVar:

NM_001846.4(COL4A2):c.5005G>A (p.Ala1669Thr)

Gene: COL4A2 (collagen type IV alpha 2 chain; plus strand). Cytogenetic location: 13q34.
Variant type: single nucleotide variant.
Coding change: c.5005G>A on transcript NM_001846.4 (MANE Select); coding-DNA position 5005, G replaced by A.
Protein change: p.Ala1669Thr; replaces alanine 1669 with threonine.
Molecular consequence: missense variant.
Genome position (GRCh38, 1-based): chr13:110,512,057, G>A. VCF-style: chr13-110512057-G-A. GRCh37 (hg19) VCF-style: chr13-111164404-G-A.
Other names: short protein forms A1669T.
Identifiers: ClinVar variation 1318914 (VCV001318914.7), dbSNP rs199959120, ClinGen allele CA7050747.

ClinVar aggregate classification (germline): Uncertain significance. Review status: criteria provided, multiple submitters, no conflicts (2 of 4 stars). 3 submissions from 3 submitters: Uncertain significance (3). Last evaluated 2025-09-09.

Allele frequency attached by ClinVar (database versions not stated): TOPMed 0.00001; ESP Exome Variant Server 0.00008.
gnomAD v4.1: 22 of 1,613,688 alleles (0.0014%); highest among the groups gnomAD compares: Middle Eastern, 0.016%; no homozygotes.

Submissions (3):

Labcorp Genetics (formerly Invitae), Labcorp
Classification: Uncertain significance. Last evaluated: 2025-09-09. Review status: criteria provided, single submitter. Criteria: Invitae Variant Classification Sherloc (09022015). Collection method: clinical testing. Allele origin: germline.
Comment: This sequence change replaces alanine, which is neutral and non-polar, with threonine, which is neutral and polar, at codon 1669 of the COL4A2 protein (p.Ala1669Thr). This variant is present in population databases (rs199959120, gnomAD 0.006%). This variant has not been reported in the literature in individuals affected with COL4A2-related conditions. ClinVar contains an entry for this variant (Variation ID: 1318914). Invitae Evidence Modeling of protein sequence and biophysical properties (such as structural, functional, and spatial information, amino acid conservation, physicochemical variation, residue mobility, and thermodynamic stability) indicates that this missense variant is not expected to disrupt COL4A2 protein function with a negative predictive value of 95%. In summary, the available evidence is currently insufficient to determine the role of this variant in disease. Therefore, it has been classified as a Variant of Uncertain Significance.

Blueprint Genetics
Classification: Uncertain significance. Last evaluated: 2022-05-13. Review status: criteria provided, single submitter. Criteria: ACMG Guidelines, 2015. Collection method: clinical testing. Allele origin: germline.

GeneDx
Classification: Uncertain significance. Last evaluated: 2021-01-12. Review status: criteria provided, single submitter. Criteria: GeneDx Variant Classification Process June 2021. Collection method: clinical testing. Allele origin: germline. Affected: yes.
Comment: Not observed in large population cohorts (Lek et al., 2016); In silico analysis supports that this missense variant has a deleterious effect on protein structure/function; Has not been previously published as pathogenic or benign to our knowledge